The following is an entry in ClinVar:

ClinVar aggregate classification (germline): Uncertain significance. Review status: criteria provided, multiple submitters, no conflicts (2 of 4 stars). 4 submissions from 4 submitters: Uncertain significance (4). Last evaluated 2025-07-23.

Conditions:
Long QT syndrome 2 (LQT2). Identifiers: Orphanet 101016, Orphanet 768, MedGen C3150943, MONDO:0013367, OMIM 613688.
Short QT syndrome type 1. Identifiers: Orphanet 51083, MedGen C1865020, MONDO:0012312, OMIM 609620.
Long QT syndrome (LQTS). Identifiers: MedGen C0023976, MeSH D008133, MONDO:0002442. Disease mechanism: loss of function. Inheritance: Various modes of inheritance.

Allele frequency attached by ClinVar (database versions not stated): gnomAD exomes below 0.00001; TOPMed below 0.00001.
gnomAD v4.1: 2 of 1,614,240 alleles (0.00012%); highest among the groups gnomAD compares: Non-Finnish European, 0.00017%; no homozygotes.

Submissions (4):

Labcorp Genetics (formerly Invitae), Labcorp
Classification: Uncertain significance for Long QT syndrome. Last evaluated: 2025-07-23. Review status: criteria provided, single submitter. Criteria: Invitae Variant Classification Sherloc (09022015). Collection method: clinical testing. Allele origin: germline.
Comment: This sequence change replaces histidine, which is basic and polar, with proline, which is neutral and non-polar, at codon 578 of the KCNH2 protein (p.His578Pro). This variant is not present in population databases (gnomAD no frequency). This variant has not been reported in the literature in individuals affected with KCNH2-related conditions. ClinVar contains an entry for this variant (Variation ID: 200378). An algorithm developed to predict the effect of missense changes on protein structure and function (PolyPhen-2) suggests that this variant is likely to be tolerated. In summary, the available evidence is currently insufficient to determine the role of this variant in disease. Therefore, it has been classified as a Variant of Uncertain Significance.

All of Us Research Program, National Institutes of Health
Classification: Uncertain significance for Long QT syndrome. Last evaluated: 2023-10-06. Review status: criteria provided, single submitter. Criteria: ACMG Guidelines, 2015. Collection method: clinical testing. Allele origin: germline. Inheritance: Autosomal dominant inheritance. Observed: 1 variant allele, 1 heterozygote.
Comment: This missense variant replaces histidine with proline at codon 578 of the KCNH2 protein. Computational prediction suggests that this variant may have deleterious impact on protein structure and function (internally defined REVEL score threshold >= 0.7, PMID: 27666373). This variant is found within a highly conserved pore region (a.a. 404-659). Rare non-truncating variants in this region have been shown to be significantly overrepresented in individuals with long QT syndrome (PMID: 32893267). A functional study using transfected Xenopus oocytes has shown that the mutant protein shows similar channel kinetics, compared to wild type protein (PMID: 10565858). This variant has not been reported in individuals affected with KCNH2-related disorders in the literature. This variant has not been identified in the general population by the Genome Aggregation Database (gnomAD). The available evidence is insufficient to determine the role of this variant in disease conclusively. Therefore, this variant is classified as a Variant of Uncertain Significance.

This study involves interpretation of variants in research participants for the purpose of population health screening. Participant phenotype was not available at the time of variant classification. Additional details can be found in publication PMID: 35346344, PMCID: PMC8962531

Fulgent Genetics
Classification: Uncertain significance for Short QT syndrome type 1; Long QT syndrome 2. Last evaluated: 2021-08-17. Review status: criteria provided, single submitter. Criteria: ACMG Guidelines, 2015. Collection method: clinical testing. Allele origin: unknown.

GeneDx
Classification: Uncertain significance. Last evaluated: 2014-05-10. Review status: criteria provided, single submitter. Criteria: GeneDx Variant Classification (06012015). Collection method: clinical testing. Allele origin: germline. Affected: yes.
Comment: p.His578Pro (CAC>CCC): c.1733 A>C in exon 7 of the KCNH2 gene (NM_000238.2)A variant of unknown significance has been identified in the KCNH2 gene. The H578P variant in the KCNH2 gene results in minimal impairment of channel function (Jiang M et al., 1999). Additionally, this substitution occurs at a position that is not conserved across species and in silico analysis predicts this variant likely does not alter the protein structure/function. Nevertheless, the H578P variant was not observed in approximately 6,500 individuals of European and African American ancestry in the NHLBI Exome Sequencing Project, indicating it is not a common benign variant in these populations. Moreover, the H578P variant is a non-conservative amino acid substitution, which is likely to impact secondary protein structure as these residues differ in polarity, charge, size and/or other properties. Furthermore, missense mutations in nearby residues (M574V, E575G, M579T, R582C) have been reported in association with LQTS, supporting the functional importance of this region of the protein. Therefore, based on the currently available information, it is unclear whether this variant is a pathogenic mutation or a rare benign variant. The variant is found in LQT panel(s).

Literature cited by the submitters: PubMed 10565858 (cited by All of Us Research Program, National Institutes of Health); PubMed 32893267 (cited by All of Us Research Program, National Institutes of Health).

NM_000238.4(KCNH2):c.1733A>C (p.His578Pro)

Gene: KCNH2 (potassium voltage-gated channel subfamily H member 2; minus strand). Cytogenetic location: 7q36.1.
Variant type: single nucleotide variant.
Coding change: c.1733A>C on transcript NM_000238.4 (MANE Select); coding-DNA position 1733, A replaced by C.
Protein change: p.His578Pro; replaces histidine 578 with proline.
Molecular consequence: missense variant.
Genome position (GRCh38, 1-based): chr7:150,951,660, T>G on the plus strand (A>C on the coding strand, the complement: KCNH2 is on the minus strand). VCF-style: chr7-150951660-T-G. GRCh37 (hg19) VCF-style: chr7-150648748-T-G.
Other names: p.H578P:CAC>CCC; c.713A>C, p.His238Pro (NM_001204798.2, NM_172057.3); c.1445A>C, p.His482Pro (NM_001406753.1, NM_001406756.1); c.1556A>C, p.His519Pro (NM_001406755.1); c.1433A>C, p.His478Pro (NM_001406757.1); c.1733A>C, p.His578Pro (NM_172056.3); short protein forms H238P, H578P, H478P, H482P, H519P.
Identifiers: ClinVar variation 200378 (VCV000200378.7), dbSNP rs794728376, ClinGen allele CA005301.